The following is an entry in ClinVar:

NM_006258.4(PRKG1):c.440A>G (p.Lys147Arg)

Gene: PRKG1 (protein kinase cGMP-dependent 1; plus strand). Cytogenetic location: 10q21.1.
Variant type: single nucleotide variant.
Coding change: c.440A>G on transcript NM_006258.4 (MANE Select); coding-DNA position 440, A replaced by G.
Protein change: p.Lys147Arg; replaces lysine 147 with arginine.
Molecular consequence: missense variant.
Genome position (GRCh38, 1-based): chr10:51,153,292, A>G. VCF-style: chr10-51153292-A-G. GRCh37 (hg19) VCF-style: chr10-52913052-A-G.
Other names: c.395A>G, p.Lys132Arg (NM_001098512.3); c.440A>G, p.Lys147Arg (NM_001374782.1); short protein forms K147R, K132R.
Identifiers: ClinVar variation 1740375 (VCV001740375.2), dbSNP rs2538641915, ClinGen allele CA376827580.

ClinVar aggregate classification (germline): Uncertain significance (1 of 4 stars; one submission).

Conditions:
Familial thoracic aortic aneurysm and aortic dissection (TAAD). Also called: Thoracic aortic aneurysms and dissections. Identifiers: Orphanet 91387, MedGen C4707243, MONDO:0019625.

Allele frequency attached by ClinVar (database versions not stated): gnomAD exomes below 0.00001.

Submission:

Ambry Genetics
Classification: Uncertain significance for Familial thoracic aortic aneurysm and aortic dissection. Last evaluated: 2022-10-30. Review status: criteria provided, single submitter. Criteria: Ambry Variant Classification Scheme 2023. Collection method: clinical testing. Allele origin: germline.
Comment: The p.K147R variant (also known as c.440A>G), located in coding exon 2 of the PRKG1 gene, results from an A to G substitution at nucleotide position 440. The lysine at codon 147 is replaced by arginine, an amino acid with highly similar properties. This amino acid position is conserved. In addition, the in silico prediction for this alteration is inconclusive. Since supporting evidence is limited at this time, the clinical significance of this alteration remains unclear.